The following is an entry in ClinVar:

NM_032803.6(SLC7A3):c.643C>T (p.His215Tyr)

Gene: SLC7A3 (solute carrier family 7 member 3; minus strand). Cytogenetic location: Xq13.1.
Variant type: single nucleotide variant.
Coding change: c.643C>T on transcript NM_032803.6 (MANE Select); coding-DNA position 643, C replaced by T.
Protein change: p.His215Tyr; replaces histidine 215 with tyrosine.
Molecular consequence: missense variant.
Genome position (GRCh38, 1-based): chrX:70,928,520, G>A on the plus strand (C>T on the coding strand, the complement: SLC7A3 is on the minus strand). VCF-style: chrX-70928520-G-A. GRCh37 (hg19) VCF-style: chrX-70148370-G-A.
Other names: c.643C>T, p.His215Tyr (NM_001048164.3); short protein forms H215Y.
Identifiers: ClinVar variation 2630406 (VCV002630406.1), dbSNP rs2521461458, ClinGen allele CA413616708.
Genomic context (GRCh38, chrX:70,928,520, plus strand): 5'-AGGTGTCATTGAGTTCAGCCATGGCCAATTCGTAGTCCTCTTCTGTGAGCTTCCAGTTGT[G>A]CACGTCCCCCTTAACGAAGCCAGAGATCATGACGAACCCAAGAACCAAAAGGTTCACGCC-3'
Protein context (NP_116192.4, residues 205-225): MISGFVKGDV[His215Tyr]NWKLTEEDYE

ClinVar aggregate classification (germline): Uncertain significance (1 of 4 stars; one submission).

Conditions:
SLC7A3-related disorder. Also called: SLC7A3-related condition.

Submission:

PreventionGenetics, part of Exact Sciences
Classification: Uncertain significance for SLC7A3-related condition. Last evaluated: 2023-02-24. Review status: criteria provided, single submitter. Criteria: ACMG Guidelines, 2015. Collection method: clinical testing. Allele origin: germline.
Comment: The SLC7A3 c.643C>T variant is predicted to result in the amino acid substitution p.His215Tyr. To our knowledge, this variant has not been reported in the literature or in a large population database, indicating this variant is rare. At this time, the clinical significance of this variant is uncertain due to the absence of conclusive functional and genetic evidence.